The following is an entry in ClinVar:

ClinVar aggregate classification (germline): Uncertain significance (0 of 4 stars; one submission).

Submission:

Department of Pathology and Laboratory Medicine, Sinai Health System
Classification: Uncertain significance. Review status: no assertion criteria provided. Collection method: clinical testing. Allele origin: unknown. Affected: yes. Study: The Canadian Open Genetics Repository (COGR).
Comment: The HSD17B4 p.Val34Phe variant was not identified in the literature nor was it identified in dbSNP, ClinVar, or in the following control databases: the 1000 Genomes Project, the NHLBI GO Exome Sequencing Project, or the Genome Aggregation Database (March 6, 2019, v2.1.1).The p.Val34 residue is conserved across mammals and other organisms, and computational analyses (PolyPhen-2, SIFT, AlignGVGD, BLOSUM, MutationTaster) suggest that the variant may impact the protein; however, this information is not predictive enough to assume pathogenicity. The variant occurs outside of the splicing consensus sequence and three of four in silico or computational prediction software programs (SpliceSiteFinder, MaxEntScan, NNSPLICE, GeneSplicer) do not predict a greater than 10% difference in splicing; this is not very predictive of pathogenicity. In summary, based on the above information the clinical significance of this variant cannot be determined with certainty at this time. This variant is classified as a variant of uncertain significance.

NM_000414.4(HSD17B4):c.172G>T (p.Val58Phe)

Gene: HSD17B4 (hydroxysteroid 17-beta dehydrogenase 4; plus strand). Cytogenetic location: 5q23.1.
Variant type: single nucleotide variant.
Coding change: c.172G>T on transcript NM_000414.4 (MANE Select); coding-DNA position 172, G replaced by T.
Protein change: p.Val58Phe; replaces valine 58 with phenylalanine.
Molecular consequence: missense variant. On other transcripts: 5 prime UTR variant (6), non-coding transcript variant (2).
Genome position (GRCh38, 1-based): chr5:119,473,967, G>T. VCF-style: chr5-119473967-G-T. GRCh37 (hg19) VCF-style: chr5-118809662-G-T.
Other names: c.247G>T, p.Val83Phe (NM_001199291.3); c.118G>T, p.Val40Phe (NM_001199292.2); c.100G>T, p.Val34Phe (NM_001292027.2); c.-240G>T (NM_001292028.2, NM_001374501.1); c.172G>T, p.Val58Phe (NM_001374497.1, NM_001374498.1); c.-109G>T (NM_001374499.1); c.-367G>T (NM_001374500.1); c.-245G>T (NM_001374502.1, NM_001374503.1); short protein forms V34F, V40F, V58F, V83F.
Identifiers: ClinVar variation 1050087 (VCV001050087.1), dbSNP rs2126682652, ClinGen allele CA360864427.